The following is an entry in ClinVar:

NM_004655.4(AXIN2):c.1012C>T (p.His338Tyr)

Gene: AXIN2 (axin 2; minus strand). Cytogenetic location: 17q24.1.
Variant type: single nucleotide variant.
Coding change: c.1012C>T on transcript NM_004655.4 (MANE Select); coding-DNA position 1012, C replaced by T.
Protein change: p.His338Tyr; replaces histidine 338 with tyrosine.
Molecular consequence: missense variant.
Genome position (GRCh38, 1-based): chr17:65,541,502, G>A on the plus strand (C>T on the coding strand, the complement: AXIN2 is on the minus strand). VCF-style: chr17-65541502-G-A. GRCh37 (hg19) VCF-style: chr17-63537620-G-A.
Other names: c.1012C>T, p.His338Tyr (NM_001363813.1); short protein forms H338Y.
Identifiers: ClinVar variation 5032638 (VCV005032638.1).
Genomic context (GRCh38, chr17:65,541,502, plus strand): 5'-AGACTGTACTCACCGGGAAATGAGGTAGAGACACTTGGCCATTGGCCTTCACACTGCGAT[G>A]CATTTCTCTCTGGAGCTGTTTCTTACTGCCCACACGATAAGGAGGAATTCCATCTCTAAG-3'
Protein context (NP_004646.3, residues 328-348): GSKKQLQREM[His338Tyr]RSVKANGQVS

ClinVar aggregate classification (germline): Uncertain significance (1 of 4 stars; one submission).

Conditions:
Hereditary cancer-predisposing syndrome. Also called: Neoplastic Syndromes, Hereditary; Tumor predisposition; Hereditary neoplastic syndrome; Hereditary Cancer Syndrome. Identifiers: Orphanet 140162, MedGen C0027672, MeSH D009386, MONDO:0015356.

gnomAD v4.1: 1 of 1,614,176 alleles (0.000062%); highest among the groups gnomAD compares: South Asian, 0.0011%; no homozygotes.

Submission:

Ambry Genetics
Classification: Uncertain significance for Hereditary cancer-predisposing syndrome. Last evaluated: 2026-07-07. Review status: criteria provided, single submitter. Criteria: Ambry Variant Classification Scheme 2023. Collection method: clinical testing. Allele origin: germline.
Comment: The p.H338Y variant (also known as c.1012C>T), located in coding exon 3 of the AXIN2 gene, results from a C to T substitution at nucleotide position 1012. The histidine at codon 338 is replaced by tyrosine, an amino acid with similar properties. This amino acid position is conserved. In addition, the in silico prediction for this alteration is inconclusive. Based on the available evidence, the clinical significance of this variant remains unclear.